The following is an entry in ClinVar:

ClinVar aggregate classification (germline): Likely pathogenic. Review status: criteria provided, multiple submitters, no conflicts (2 of 4 stars). 5 submissions from 5 submitters: Likely pathogenic (3). 2 of the submissions do not count toward it. Last evaluated 2024-11-06.

Conditions:
Hereditary nonpolyposis colorectal neoplasms. Identifiers: MedGen C0009405, MeSH D003123.
PMS2-related disorder. Also called: PMS2-related condition.
Lynch syndrome 4 (LYNCH4). Also called: Colorectal cancer, hereditary nonpolyposis, type 4; Hereditary non-polyposis colorectal cancer, type 4. Identifiers: Orphanet 144, MedGen C1838333, MONDO:0013699, OMIM 614337. Disease mechanism: loss of function.

Submissions (5):

Blueprint Genetics
Classification: Likely pathogenic for PMS2-related disorders. Last evaluated: 2024-11-06. Review status: criteria provided, single submitter. Criteria: ACMG Guidelines, 2015. Collection method: clinical testing. Allele origin: germline. Affected: yes. Observed: 2 variant alleles.

Myriad Genetics, Inc.
Classification: Likely pathogenic for Lynch syndrome 4. Last evaluated: 2024-08-20. Review status: criteria provided, single submitter. Criteria: Myriad Autosomal Dominant, Autosomal Recessive and X-Linked Classification Criteria (2023). Collection method: clinical testing. Allele origin: unknown.
Comment: This variant is considered likely pathogenic. This variant occurs within a consensus splice junction and is predicted to result in abnormal mRNA splicing of either an out-of-frame exon or an in-frame exon necessary for protein stability and/or normal function.

Labcorp Genetics (formerly Invitae), Labcorp
Classification: Likely pathogenic for Hereditary nonpolyposis colorectal neoplasms. Last evaluated: 2020-09-13. Review status: criteria provided, single submitter. Criteria: Invitae Variant Classification Sherloc (09022015). Collection method: clinical testing. Allele origin: germline.
Comment: In summary, the currently available evidence indicates that the variant is pathogenic, but additional data are needed to prove that conclusively. Therefore, this variant has been classified as Likely Pathogenic. Donor and acceptor splice site variants typically lead to a loss of protein function (PMID: 16199547), and loss-of-function variants in PMS2 are known to be pathogenic (PMID: 21376568, 24362816). Algorithms developed to predict the effect of sequence changes on RNA splicing suggest that this variant may disrupt the consensus splice site, but this prediction has not been confirmed by published transcriptional studies. This variant has been reported in individuals in the Leiden Open-source Variation Database (PMID: 21520333). ClinVar contains an entry for this variant (Variation ID: 562474). This variant is not present in population databases (ExAC no frequency). This sequence change affects an acceptor splice site in intron 6 of the PMS2 gene. It is expected to disrupt RNA splicing and likely results in an absent or disrupted protein product.

deCODE genetics, Amgen
Classification: Likely pathogenic for Lynch syndrome 4. Last evaluated: 2023-07-21. Review status: no assertion criteria provided. Collection method: research. Allele origin: germline. Affected: yes. Observed: 3 variant alleles. Not counted in ClinVar's aggregate classification.
Comment: The variant NM_000535.7:c.706-2A>T (chr7:5997425) in PMS2 was detected in 3 heterozygotes out of 58K WGS Icelanders (MAF= 0,003%). This variant has been reported in ClinVar previously as likely pathogenic. Based on ACMG criteria (PVS1, PM2) this variant classifies as likely pathogenic.

Gharavi Laboratory, Columbia University
Classification: Likely pathogenic. Last evaluated: 2018-09-16. Review status: no assertion criteria provided. Criteria: ACMG Guidelines, 2015. Collection method: research. Allele origin: germline. Affected: yes. Not counted in ClinVar's aggregate classification.

Literature cited by the submitters: PubMed 16199547 (cited by Labcorp Genetics (formerly Invitae), Labcorp); PubMed 21376568 (cited by Labcorp Genetics (formerly Invitae), Labcorp); PubMed 24362816 (cited by Labcorp Genetics (formerly Invitae), Labcorp); PubMed 21520333 (cited by Labcorp Genetics (formerly Invitae), Labcorp).

NM_000535.7(PMS2):c.706-2A>T

Gene: PMS2 (PMS1 homolog 2, mismatch repair system component; minus strand). Cytogenetic location: 7p22.1.
Variant type: single nucleotide variant.
Coding change: c.706-2A>T on transcript NM_000535.7 (MANE Select); the canonical splice acceptor site of the intron before coding-DNA position 706, A replaced by T.
Molecular consequence: splice acceptor variant. On other transcripts: intron variant (3).
Genome position (GRCh38, 1-based): chr7:5,997,425, T>A on the plus strand (A>T on the coding strand, the complement: PMS2 is on the minus strand). VCF-style: chr7-5997425-T-A. GRCh37 (hg19) VCF-style: chr7-6037056-T-A.
Other names: c.388-2A>T (NM_001322008.2, NM_001406902.1, NM_001406883.1 and 4 more transcripts); c.397-2A>T (NM_001406881.1, NM_001406879.1, NM_001322015.2 and 6 more transcripts); c.301-2A>T (NM_001406895.1, NM_001322010.2, NM_001322004.2 and 19 more transcripts); c.132+5028A>T (NM_001406911.1); c.193-2A>T (NM_001406904.1, NM_001406905.1); c.133-2A>T (NM_001322013.2, NM_001406909.1); c.-228-2A>T (NM_001322012.2, NM_001322011.2); c.370-2A>T (NM_001406885.1); and 7 more.
Identifiers: ClinVar variation 562474 (VCV000562474.28), dbSNP rs745487791, ClinGen allele CA153239785.